The following is an entry in ClinVar:

NM_001605.3(AARS1):c.1216A>G (p.Ile406Val)

Gene: AARS1 (alanyl-tRNA synthetase 1; minus strand). Cytogenetic location: 16q22.1.
Variant type: single nucleotide variant.
Coding change: c.1216A>G on transcript NM_001605.3 (MANE Select); coding-DNA position 1216, A replaced by G.
Protein change: p.Ile406Val; replaces isoleucine 406 with valine.
Molecular consequence: missense variant.
Genome position (GRCh38, 1-based): chr16:70,267,665, T>C on the plus strand (A>G on the coding strand, the complement: AARS1 is on the minus strand). VCF-style: chr16-70267665-T-C. GRCh37 (hg19) VCF-style: chr16-70301568-T-C.
Other names: short protein forms I406V.
Identifiers: ClinVar variation 1800092 (VCV001800092.2), dbSNP rs1960294946, ClinGen allele CA396563207.
Genomic context (GRCh38, chr16:70,267,665, plus strand): 5'-TTTCCCAGAAAGATCAAACGGCCAGGATGGAGAAGGGCAAAAACTGGTACCTACCGGGAA[T>C]GGTCTTGCTGTCTCCCAGGCTCTGAATTTTCCTGTCCAGGATGCGACGCCCTCTGCTGAG-3'
Protein context (NP_001596.2, residues 396-416): KIQSLGDSKT[Ile406Val]PGDTAWLLYD

ClinVar aggregate classification (germline): Uncertain significance (1 of 4 stars; one submission).

Conditions:
Inborn genetic diseases. Identifiers: MedGen C0950123, MeSH D030342.

Submission:

Ambry Genetics
Classification: Uncertain significance for Inborn genetic diseases. Last evaluated: 2022-03-22. Review status: criteria provided, single submitter. Criteria: Ambry Variant Classification Scheme 2023. Collection method: clinical testing. Allele origin: germline.
Comment: The p.I406V variant (also known as c.1216A>G), located in coding exon 8 of the AARS gene, results from an A to G substitution at nucleotide position 1216. The isoleucine at codon 406 is replaced by valine, an amino acid with highly similar properties. This amino acid position is conserved. In addition, this alteration is predicted to be tolerated by in silico analysis. Since supporting evidence is limited at this time, the clinical significance of this alteration remains unclear.